The following is an entry in ClinVar:

NM_015295.3(SMCHD1):c.4808C>T (p.Thr1603Ile)

Gene: SMCHD1 (structural maintenance of chromosomes flexible hinge domain containing 1; plus strand). Cytogenetic location: 18p11.32.
Variant type: single nucleotide variant.
Coding change: c.4808C>T on transcript NM_015295.3 (MANE Select); coding-DNA position 4808, C replaced by T.
Protein change: p.Thr1603Ile; replaces threonine 1603 with isoleucine.
Molecular consequence: missense variant.
Genome position (GRCh38, 1-based): chr18:2,769,782, C>T. VCF-style: chr18-2769782-C-T. GRCh37 (hg19) VCF-style: chr18-2769780-C-T.
Other names: short protein forms T1603I.
Identifiers: ClinVar variation 283760 (VCV000283760.46), dbSNP rs147034750, ClinGen allele CA8871575.

ClinVar aggregate classification (germline): Benign/Likely benign. Review status: criteria provided, multiple submitters, no conflicts (2 of 4 stars). 8 submissions from 8 submitters: Benign (3); Likely benign (4). 1 of the submissions does not count toward it. Last evaluated 2026-01-24.

Conditions:
SMCHD1-related disorder. Also called: SMCHD1-related condition.
Arrhinia with choanal atresia and microphthalmia syndrome. Also called: ARHINIA, CHOANAL ATRESIA, MICROPHTHALMIA, AND HYPOGONADOTROPIC HYPOGONADISM; Arrhinia-choanal atresia-microphthalmia syndrome; Arhinia, choanal atresia, and microphthalmia. Identifiers: Orphanet 1135, Orphanet 2250, MedGen C1863878, MONDO:0011323, OMIM 603457.
Facioscapulohumeral muscular dystrophy 2 (FSHD2). Also called: FACIOSCAPULOHUMERAL MUSCULAR DYSTROPHY 2, DIGENIC; FSHD2, DIGENIC; MUSCULAR DYSTROPHY, FACIOSCAPULOHUMERAL, TYPE 1B. Identifiers: Orphanet 269, MedGen C1834671, MONDO:0008031, OMIM 158901.

Allele frequency attached by ClinVar (database versions not stated): gnomAD exomes 0.00078; ExAC 0.00122; ESP Exome Variant Server 0.00264; gnomAD 0.00284 and 0.00303; TOPMed 0.00313; 1000 Genomes Project 0.00399; 1000 Genomes Project 30x 0.00422.
gnomAD v4.1: 996 of 1,604,990 alleles (0.062%); highest among the groups gnomAD compares: African/African-American, 0.89%; 4 homozygotes.

Submissions (8):

Labcorp Genetics (formerly Invitae), Labcorp
Classification: Benign for Facioscapulohumeral muscular dystrophy 2. Last evaluated: 2026-01-24. Review status: criteria provided, single submitter. Criteria: Invitae Variant Classification Sherloc (09022015). Collection method: clinical testing. Allele origin: germline.

Blueprint Genetics
Classification: Likely benign. Last evaluated: 2024-11-27. Review status: criteria provided, single submitter. Criteria: ACMG Guidelines, 2015. Collection method: clinical testing. Allele origin: germline.

CeGaT Center for Human Genetics Tuebingen
Classification: Likely benign. Last evaluated: 2023-03-01. Review status: criteria provided, single submitter. Criteria: CeGaT Center For Human Genetics Tuebingen Variant Classification Criteria Version 2. Collection method: clinical testing. Allele origin: germline. Affected: yes. Observed: 1 variant allele.
Comment: SMCHD1: BP4, BS2

Fulgent Genetics
Classification: Likely benign for Facioscapulohumeral muscular dystrophy 2; Arrhinia with choanal atresia and microphthalmia syndrome. Last evaluated: 2021-12-16. Review status: criteria provided, single submitter. Criteria: ACMG Guidelines, 2015. Collection method: clinical testing. Allele origin: unknown.

GeneDx
Classification: Benign. Last evaluated: 2021-04-12. Review status: criteria provided, single submitter. Criteria: GeneDx Variant Classification Process June 2021. Collection method: clinical testing. Allele origin: germline. Affected: yes.

Athena Diagnostics
Classification: Likely benign. Last evaluated: 2021-01-28. Review status: criteria provided, single submitter. Criteria: Athena Diagnostics criteria. Collection method: clinical testing. Allele origin: unknown.

Eurofins Ntd Llc (ga)
Classification: Benign. Last evaluated: 2016-02-03. Review status: criteria provided, single submitter. Criteria: EGL Classification Definitions 2015. Collection method: clinical testing. Allele origin: germline. Observed: 2 variant alleles, 2 heterozygotes.

PreventionGenetics, part of Exact Sciences
Classification: Benign for SMCHD1-related condition. Last evaluated: 2021-04-14. Review status: no assertion criteria provided. Collection method: clinical testing. Allele origin: germline. Not counted in ClinVar's aggregate classification.
Comment: This variant is classified as benign based on ACMG/AMP sequence variant interpretation guidelines (Richards et al. 2015 PMID: 25741868, with internal and published modifications).